The following is an entry in ClinVar:

ClinVar aggregate classification (germline): Uncertain significance (1 of 4 stars; one submission).

Conditions:
Hereditary pancreatitis (PCTT). Also called: Hereditary chronic pancreatitis; PRSS1-Related Hereditary Pancreatitis. Identifiers: Orphanet 676, MedGen C0238339, MONDO:0008185, OMIM 167800.

Submission:

Ambry Genetics
Classification: Uncertain significance for Hereditary pancreatitis. Last evaluated: 2024-02-25. Review status: criteria provided, single submitter. Criteria: Ambry Variant Classification Scheme 2023. Collection method: clinical testing. Allele origin: germline.
Comment: The p.I215L variant (also known as c.643A>C), located in coding exon 6 of the CPA1 gene, results from an A to C substitution at nucleotide position 643. The isoleucine at codon 215 is replaced by leucine, an amino acid with highly similar properties. This amino acid position is conserved. In addition, this alteration is predicted to be tolerated by in silico analysis. Based on the available evidence, the clinical significance of this alteration remains unclear.

NM_001868.4(CPA1):c.643A>C (p.Ile215Leu)

Gene: CPA1 (carboxypeptidase A1; plus strand). Cytogenetic location: 7q32.2.
Variant type: single nucleotide variant.
Coding change: c.643A>C on transcript NM_001868.4 (MANE Select); coding-DNA position 643, A replaced by C.
Protein change: p.Ile215Leu; replaces isoleucine 215 with leucine.
Molecular consequence: missense variant.
Genome position (GRCh38, 1-based): chr7:130,383,741, A>C. VCF-style: chr7-130383741-A-C. GRCh37 (hg19) VCF-style: chr7-130023582-A-C.
Other names: short protein forms I215L.
Identifiers: ClinVar variation 3221840 (VCV003221840.1), dbSNP rs2536008832, ClinGen allele CA369282749.
Genomic context (GRCh38, chr7:130,383,741, plus strand): 5'-CAGATCACTCAAGACTACGGGCAGGATGCAGCTTTCACCGCCATTCTCGACACCTTGGAC[A>C]TCTTCCTGGAGATCGTCACCAACCCTGATGGCTTTGCCTTCACGCACAGCACGGTACCGG-3'
Protein context (NP_001859.1, residues 205-225): AFTAILDTLD[Ile215Leu]FLEIVTNPDG